The following is an entry in ClinVar:

NM_001243212.2(CCER2):c.639CCA[9] (p.His220_Gln221insHis)

Gene: CCER2 (coiled-coil glutamate rich protein 2; minus strand). Cytogenetic location: 19q13.2.
Variant type: Microsatellite.
Coding change: c.639CCA[9] on transcript NM_001243212.2 (MANE Select); nine copies in a row of the 3-base unit CCA starting at c.639; the reference has eight copies in a row; one copy, 3 bases duplicated.
Protein change: p.His220_Gln221insHis.
Molecular consequence: inframe insertion.
Genome position (GRCh38, 1-based): chr19:38,910,612-38,910,614, TGG duplicated on the plus strand (CCA on the coding strand, the reverse complement: CCER2 is on the minus strand); duplicating any 3 consecutive bases within chr19:38,910,612-38,910,635 gives the same sequence; the position shown is the placement nearest the transcript's 3' end. VCF-style (leftmost placement, unchanged base first): chr19-38910611-C-CTGG. GRCh37 (hg19) VCF-style: chr19-39401251-C-CTGG.
Identifiers: ClinVar variation 4751354 (VCV004751354.1).
Genomic context (GRCh38, chr19:38,910,611, plus strand): 5'-CCCCCTACTCACCTCCCTCTCCGAAGCCTCCTCCTTCTCCTGCCTGGGCTCAGCCTCTGG[C>CTGG]TGGTGGTGGTGGTGGTGGTGGTGGGGCAAGTCCTCGCGCCTCTCTCCTCCGCCTCTCTCG-3'

ClinVar aggregate classification (germline): Uncertain significance (1 of 4 stars; one submission).

Submission:

Labcorp Genetics (formerly Invitae), Labcorp
Classification: Uncertain significance. Last evaluated: 2025-05-05. Review status: criteria provided, single submitter. Criteria: Invitae Variant Classification Sherloc (09022015). Collection method: clinical testing. Allele origin: germline.
Comment: This variant, c.660_662dup, results in the insertion of 1 amino acid(s) of the CCER2 protein (p.His220dup), but otherwise preserves the integrity of the reading frame. This variant is present in population databases (rs771394190, gnomAD 0.09%), and has an allele count higher than expected for a pathogenic variant. This variant has not been reported in the literature in individuals affected with CCER2-related conditions. In summary, the available evidence is currently insufficient to determine the role of this variant in disease. Therefore, it has been classified as a Variant of Uncertain Significance.